The following is an entry in ClinVar:

ClinVar aggregate classification (germline): Uncertain significance (1 of 4 stars; one submission).

Conditions:
Developmental and epileptic encephalopathy, 30 (DEE30). Also called: Epileptic encephalopathy, early infantile, 30. Identifiers: MedGen C4225360, MONDO:0014595, OMIM 616341.

Submission:

Labcorp Genetics (formerly Invitae), Labcorp
Classification: Uncertain significance for Developmental and epileptic encephalopathy, 30. Last evaluated: 2022-11-03. Review status: criteria provided, single submitter. Criteria: Invitae Variant Classification Sherloc (09022015). Collection method: clinical testing. Allele origin: germline.
Comment: In summary, the available evidence is currently insufficient to determine the role of this variant in disease. Therefore, it has been classified as a Variant of Uncertain Significance. Advanced modeling of protein sequence and biophysical properties (such as structural, functional, and spatial information, amino acid conservation, physicochemical variation, residue mobility, and thermodynamic stability) performed at Invitae indicates that this missense variant is not expected to disrupt SIK1 protein function. ClinVar contains an entry for this variant (Variation ID: 1485771). This variant has not been reported in the literature in individuals affected with SIK1-related conditions. This variant is not present in population databases (gnomAD no frequency). This sequence change replaces proline, which is neutral and non-polar, with serine, which is neutral and polar, at codon 683 of the SIK1 protein (p.Pro683Ser).

NM_173354.5(SIK1):c.2047C>T (p.Pro683Ser)

Gene: SIK1 (salt inducible kinase 1; minus strand). Cytogenetic location: 21q22.3.
Variant type: single nucleotide variant.
Coding change: c.2047C>T on transcript NM_173354.5 (MANE Select); coding-DNA position 2047, C replaced by T.
Protein change: p.Pro683Ser; replaces proline 683 with serine.
Molecular consequence: missense variant.
Genome position (GRCh38, 1-based): chr21:43,417,047, G>A on the plus strand (C>T on the coding strand, the complement: SIK1 is on the minus strand). VCF-style: chr21-43417047-G-A. GRCh37 (hg19) VCF-style: chr21-44836927-G-A.
Other names: short protein forms P683S.
Identifiers: ClinVar variation 1485771 (VCV001485771.6), dbSNP rs1436513514, ClinGen allele CA410606757.
Genomic context (GRCh38, chr21:43,417,047, plus strand): 5'-TGAGGAGGGTGCTGGGGAGCGGGGCAGCCCCAGGGCCATCACAGGGGGCGATCACAAACG[G>A]GGCAGGGGCCGGCTGGGGGGCCTGGGAGCAGCCGGGTGCAGCGGCCGGGTGGTGCTGTAA-3'
Protein context (NP_775490.2, residues 673-693): CSQAPQPAPA[Pro683Ser]FVIAPCDGPG